The following is an entry in ClinVar:

NM_006648.4(WNK2):c.4126C>G (p.Pro1376Ala)

Gene: WNK2 (WNK lysine deficient protein kinase 2; plus strand). Cytogenetic location: 9q22.31.
Variant type: single nucleotide variant.
Coding change: c.4126C>G on transcript NM_006648.4 (MANE Select); coding-DNA position 4126, C replaced by G.
Protein change: p.Pro1376Ala; replaces proline 1376 with alanine.
Molecular consequence: missense variant.
Genome position (GRCh38, 1-based): chr9:93,288,880, C>G. VCF-style: chr9-93288880-C-G. GRCh37 (hg19) VCF-style: chr9-96051162-C-G.
Other names: c.4237C>G, p.Pro1413Ala (NM_001282394.3); short protein forms P1376A, P1413A.
Identifiers: ClinVar variation 3817135 (VCV003817135.1).

ClinVar aggregate classification (germline): Uncertain significance (1 of 4 stars; one submission).

gnomAD v4.1: 6 of 1,611,242 alleles (0.00037%); highest among the groups gnomAD compares: Non-Finnish European, 0.00042%; no homozygotes.

Submission:

Ambry Genetics
Classification: Uncertain significance. Last evaluated: 2025-02-22. Review status: criteria provided, single submitter. Criteria: Ambry Variant Classification Scheme 2023. Collection method: clinical testing. Allele origin: germline.
Comment: The p.P1376A variant (also known as c.4126C>G), located in coding exon 19 of the WNK2 gene, results from a C to G substitution at nucleotide position 4126. The proline at codon 1376 is replaced by alanine, an amino acid with highly similar properties. This amino acid position is conserved. In addition, this alteration is predicted to be tolerated by in silico analysis. Based on the available evidence, the clinical significance of this variant remains unclear.